The following is an entry in ClinVar:

ClinVar aggregate classification (germline): Likely benign. Review status: criteria provided, multiple submitters, no conflicts (2 of 4 stars). 4 submissions from 4 submitters: Likely benign (4). Last evaluated 2026-01-19.

Conditions:
Hereditary sensory and autonomic neuropathy type 6. Also called: HSAN VI; Neuropathy, hereditary sensory and autonomic, type VI. Identifiers: Orphanet 314381, MedGen C3539003, MONDO:0013839, OMIM 614653.
Epidermolysis bullosa simplex 3, localized or generalized intermediate, with BP230 deficiency (EBS3). Also called: Epidermolysis bullosa simplex, autosomal recessive 2; Epidermolysis bullosa simplex due to BP230 deficiency. Identifiers: Orphanet 412181, MedGen C3809470, MONDO:0014180, OMIM 615425.
DST-related disorder. Also called: DST-related condition; DST-related disorders.

Allele frequency attached by ClinVar (database versions not stated): gnomAD exomes 0.00033; ExAC 0.00028; gnomAD 0.00041; TOPMed 0.00030; ESP Exome Variant Server 0.00042.
gnomAD v4.1: 544 of 1,611,370 alleles (0.034%); highest among the groups gnomAD compares: Non-Finnish European, 0.039%; no homozygotes.

Submissions (4):

Labcorp Genetics (formerly Invitae), Labcorp
Classification: Likely benign for Epidermolysis bullosa simplex 3, localized or generalized intermediate, with BP230 deficiency; Hereditary sensory and autonomic neuropathy type 6. Last evaluated: 2026-01-19. Review status: criteria provided, single submitter. Criteria: Invitae Variant Classification Sherloc (09022015). Collection method: clinical testing. Allele origin: germline.

PreventionGenetics, part of Exact Sciences
Classification: Likely benign for DST-related condition. Last evaluated: 2025-03-11. Review status: criteria provided, single submitter. Criteria: ACMG Guidelines, 2015. Collection method: clinical testing. Allele origin: germline.
Comment: This variant is classified as likely benign based on ACMG/AMP sequence variant interpretation guidelines (Richards et al. 2015 PMID: 25741868, with internal and published modifications).

CeGaT Center for Human Genetics Tuebingen
Classification: Likely benign. Last evaluated: 2024-10-01. Review status: criteria provided, single submitter. Criteria: CeGaT Center For Human Genetics Tuebingen Variant Classification Criteria Version 2. Collection method: clinical testing. Allele origin: germline. Affected: yes. Observed: 4 variant alleles.
Comment: DST: BP4, BP7

Blueprint Genetics
Classification: Likely benign. Last evaluated: 2024-09-17. Review status: criteria provided, single submitter. Criteria: ACMG Guidelines, 2015. Collection method: clinical testing. Allele origin: germline.

NM_001374736.1(DST):c.16047C>G (p.Thr5349=)

Gene: DST (dystonin; minus strand). Cytogenetic location: 6p12.1.
Variant type: single nucleotide variant.
Coding change: c.16047C>G on transcript NM_001374736.1 (MANE Select); coding-DNA position 16047, C replaced by G.
Protein change: p.Thr5349=; no amino-acid change (threonine 5349 retained).
Molecular consequence: synonymous variant.
Genome position (GRCh38, 1-based): chr6:56,552,745, G>C on the plus strand (C>G on the coding strand, the complement: DST is on the minus strand). VCF-style: chr6-56552745-G-C. GRCh37 (hg19) VCF-style: chr6-56417543-G-C.
Other names: c.8178C>G, p.Thr2726= (NM_015548.5); c.9156C>G, p.Thr3052= (NM_183380.4, NM_001374730.1, NM_001386100.1); c.9690C>G, p.Thr3230= (NM_001144769.5); c.9276C>G, p.Thr3092= (NM_001144770.2); c.16047C>G, p.Thr5349= (NM_001374722.1); c.15414C>G, p.Thr5138= (NM_001374729.1); c.16074C>G, p.Thr5358= (NM_001374734.1).
Identifiers: ClinVar variation 796372 (VCV000796372.45), dbSNP rs370841140, ClinGen allele CA3867735.